The following is an entry in ClinVar:

NM_032638.5(GATA2):c.967C>T (p.His323Tyr)

Gene: GATA2 (GATA binding protein 2; minus strand). Cytogenetic location: 3q21.3.
Variant type: single nucleotide variant.
Coding change: c.967C>T on transcript NM_032638.5 (MANE Select); coding-DNA position 967, C replaced by T.
Protein change: p.His323Tyr; replaces histidine 323 with tyrosine.
Molecular consequence: missense variant.
Genome position (GRCh38, 1-based): chr3:128,483,910, G>A on the plus strand (C>T on the coding strand, the complement: GATA2 is on the minus strand). VCF-style: chr3-128483910-G-A. GRCh37 (hg19) VCF-style: chr3-128202753-G-A.
Other names: c.967C>T, p.His323Tyr (NM_001145661.2, NM_001145662.1); short protein forms H323Y.
Identifiers: ClinVar variation 2925758 (VCV002925758.3), dbSNP rs2472924672, ClinGen allele CA354404453.

ClinVar aggregate classification (germline): Uncertain significance (1 of 4 stars; one submission).

Conditions:
Deafness-lymphedema-leukemia syndrome. Also called: Lymphedema, primary, with myelodysplasia; Emberger syndrome. Identifiers: Orphanet 3226, MedGen C3279664, MONDO:0013540, OMIM 614038.
Monocytopenia with susceptibility to infections. Also called: MONOCYTOPENIA AND MYCOBACTERIAL INFECTION SYNDROME; MONOCYTOPENIA WITH SUSCEPTIBILITY TO MYCOBACTERIAL, FUNGAL, AND PAPILLOMAVIRUS INFECTIONS AND MYELODYSPLASIA; COMBINED IMMUNODEFICIENCY WITH SUSCEPTIBILITY TO MYCOBACTERIAL, VIRAL, AND FUNGAL INFECTIONS; Dendritic cell, monocyte, B lymphocyte, and natural killer lymphocyte deficiency; GATA2 DEFICIENCY; IMMUNODEFICIENCY 21. Identifiers: Orphanet 228423, MedGen C3280030, MONDO:0013607, OMIM 614172.

Submission:

Labcorp Genetics (formerly Invitae), Labcorp
Classification: Uncertain significance for Monocytopenia with susceptibility to infections; Deafness-lymphedema-leukemia syndrome. Last evaluated: 2023-04-13. Review status: criteria provided, single submitter. Criteria: Invitae Variant Classification Sherloc (09022015). Collection method: clinical testing. Allele origin: germline.
Comment: This sequence change replaces histidine, which is basic and polar, with tyrosine, which is neutral and polar, at codon 323 of the GATA2 protein (p.His323Tyr). This variant is not present in population databases (gnomAD no frequency). This variant has not been reported in the literature in individuals affected with GATA2-related conditions. Advanced modeling of protein sequence and biophysical properties (such as structural, functional, and spatial information, amino acid conservation, physicochemical variation, residue mobility, and thermodynamic stability) has been performed at Invitae for this missense variant, however the output from this modeling did not meet the statistical confidence thresholds required to predict the impact of this variant on GATA2 protein function. In summary, the available evidence is currently insufficient to determine the role of this variant in disease. Therefore, it has been classified as a Variant of Uncertain Significance.